The following is an entry in ClinVar:

ClinVar aggregate classification (germline): Uncertain significance (1 of 4 stars; one submission).

Conditions:
Combined immunodeficiency due to OX40 deficiency. Also called: Immunodeficiency 16; OX40 DEFICIENCY. Identifiers: Orphanet 431149, MedGen C3810053, MONDO:0014268, OMIM 615593.

Allele frequency attached by ClinVar (database versions not stated): gnomAD exomes below 0.00001.
gnomAD v4.1: 3 of 1,598,530 alleles (0.00019%); highest among the groups gnomAD compares: Non-Finnish European, 0.00017%; no homozygotes.

Submission:

Labcorp Genetics (formerly Invitae), Labcorp
Classification: Uncertain significance for Combined immunodeficiency due to OX40 deficiency. Last evaluated: 2022-03-19. Review status: criteria provided, single submitter. Criteria: Invitae Variant Classification Sherloc (09022015). Collection method: clinical testing. Allele origin: germline.
Comment: In summary, the available evidence is currently insufficient to determine the role of this variant in disease. Therefore, it has been classified as a Variant of Uncertain Significance. Variants that disrupt the consensus splice site are a relatively common cause of aberrant splicing (PMID: 17576681, 9536098). Algorithms developed to predict the effect of sequence changes on RNA splicing suggest that this variant is not likely to affect RNA splicing. This variant has not been reported in the literature in individuals affected with TNFRSF4-related conditions. The frequency data for this variant in the population databases is considered unreliable, as metrics indicate poor data quality at this position in the gnomAD database. This sequence change falls in intron 1 of the TNFRSF4 gene. It does not directly change the encoded amino acid sequence of the TNFRSF4 protein. It affects a nucleotide within the consensus splice site.

Literature cited by the submitters: PubMed 17576681; PubMed 9536098.

NM_003327.4(TNFRSF4):c.145+5G>A

Gene: TNFRSF4 (TNF receptor superfamily member 4; minus strand). Cytogenetic location: 1p36.33.
Variant type: single nucleotide variant.
Coding change: c.145+5G>A on transcript NM_003327.4 (MANE Select); 5 bases into the intron after coding-DNA position 145, G replaced by A.
Molecular consequence: intron variant.
Genome position (GRCh38, 1-based): chr1:1,213,978, C>T on the plus strand (G>A on the coding strand, the complement: TNFRSF4 is on the minus strand). VCF-style: chr1-1213978-C-T. GRCh37 (hg19) VCF-style: chr1-1149358-C-T.
Identifiers: ClinVar variation 1464842 (VCV001464842.6), dbSNP rs1290256405, ClinGen allele CA520600022.